The following is an entry in ClinVar:

NM_000334.4(SCN4A):c.3394C>G (p.Arg1132Gly)

Genes: GH-LCR (growth hormone locus control region; plus strand), SCN4A (sodium voltage-gated channel alpha subunit 4; minus strand). Cytogenetic location: 17q23.3.
Variant type: single nucleotide variant.
Coding change: c.3394C>G on transcript NM_000334.4 (MANE Select); coding-DNA position 3394, C replaced by G.
Protein change: p.Arg1132Gly; replaces arginine 1132 with glycine.
Molecular consequence: missense variant.
Genome position (GRCh38, 1-based): chr17:63,947,092, G>C on the plus strand (C>G on the coding strand, the complement: SCN4A is on the minus strand). VCF-style: chr17-63947092-G-C. GRCh37 (hg19) VCF-style: chr17-62024452-G-C.
Other names: short protein forms R1132G.
Identifiers: ClinVar variation 1039768 (VCV001039768.9), dbSNP rs778176181, ClinGen allele CA400619461.

ClinVar aggregate classification (germline): Conflicting classifications of pathogenicity. Review status: criteria provided, conflicting classifications (1 of 4 stars). 2 submissions from 2 submitters: Pathogenic (1); Uncertain significance (1). Last evaluated 2025-11-22.

Conditions:
Hypokalemic periodic paralysis, type 2 (HOKPP2). Identifiers: Orphanet 681, MedGen C2750061, MONDO:0013234, OMIM 613345.
Hyperkalemic periodic paralysis. Also called: Familial hyperkalemic periodic paralysis; Gamstorp disease. Identifiers: Orphanet 682, MedGen C0238357, MONDO:0008224, OMIM 170500, HP:0007215.

Submissions (2):

Kasturba Medical College, Manipal, Kasturba Medical College, Manipal, Manipal Academy of Higher Education, Manipal, India
Classification: Uncertain significance for Hypokalemic periodic paralysis, type 2. Last evaluated: 2025-11-22. Review status: criteria provided, single submitter. Criteria: ACMG Guidelines, 2015. Collection method: research. Allele origin: paternal. Inheritance: Autosomal dominant inheritance. Affected: yes. Observed: 1 heterozygote.
Comment: This variant is absent in homozygous and/or heterozygous state in the gnomAD (v4.1.0) population database and our in-house data of 3851 exomes. In-silico tools (CADD_phred, REVEL) have predicted the variant to be damaging to the SCN4A protein function. Another amino acid change at the same position, c.3395G>A p.(Arg1132Gln) has been reported as pathogenic in individuals with hypokalemic periodic paralysis (Carle et al., 2016). Additionally, reduced penetrance is known to be associated with hypokalemic periodic paralysis, type 2 (Park et al., 2002).

Labcorp Genetics (formerly Invitae), Labcorp
Classification: Pathogenic for Hyperkalemic periodic paralysis. Last evaluated: 2022-11-29. Review status: criteria provided, single submitter. Criteria: Invitae Variant Classification Sherloc (09022015). Collection method: clinical testing. Allele origin: germline.
Comment: This sequence change replaces arginine, which is basic and polar, with glycine, which is neutral and non-polar, at codon 1132 of the SCN4A protein (p.Arg1132Gly). This variant is not present in population databases (gnomAD no frequency). This missense change has been observed in individuals with clinical features of hypokalemic periodic paralysis (PMID: 34608571; Invitae). ClinVar contains an entry for this variant (Variation ID: 1039768). Advanced modeling of protein sequence and biophysical properties (such as structural, functional, and spatial information, amino acid conservation, physicochemical variation, residue mobility, and thermodynamic stability) performed at Invitae indicates that this missense variant is expected to disrupt SCN4A protein function. This variant disrupts the p.Arg1132 amino acid residue in SCN4A. Other variant(s) that disrupt this residue have been determined to be pathogenic (PMID: 16890191, 19118277, 19882638). This suggests that this residue is clinically significant, and that variants that disrupt this residue are likely to be disease-causing. For these reasons, this variant has been classified as Pathogenic.

Literature cited by the submitters: PubMed 34608571 (cited by Kasturba Medical College, Manipal, Kasturba Medical College, Manipal, Manipal Academy of Higher Education, Manipal, India and Labcorp Genetics (formerly Invitae), Labcorp); PubMed 16890191 (cited by Kasturba Medical College, Manipal, Kasturba Medical College, Manipal, Manipal Academy of Higher Education, Manipal, India and Labcorp Genetics (formerly Invitae), Labcorp); PubMed 21189962 (cited by Kasturba Medical College, Manipal, Kasturba Medical College, Manipal, Manipal Academy of Higher Education, Manipal, India); PubMed 19118277 (cited by Labcorp Genetics (formerly Invitae), Labcorp); PubMed 19882638 (cited by Labcorp Genetics (formerly Invitae), Labcorp).